The following is an entry in ClinVar:

ClinVar aggregate classification (germline): Uncertain significance (1 of 4 stars; one submission).

Conditions:
Inborn genetic diseases. Identifiers: MedGen C0950123, MeSH D030342.

gnomAD v4.1: 3 of 1,526,760 alleles (0.0002%); highest among the groups gnomAD compares: Admixed American, 0.002%; no homozygotes.

Submission:

Ambry Genetics
Classification: Uncertain significance for Inborn genetic diseases. Last evaluated: 2026-04-28. Review status: criteria provided, single submitter. Criteria: Ambry Variant Classification Scheme 2023. Collection method: clinical testing. Allele origin: germline.
Comment: The p.R59G variant (also known as c.175C>G), located in coding exon 1 of the SH2B3 gene, results from a C to G substitution at nucleotide position 175. The arginine at codon 59 is replaced by glycine, an amino acid with dissimilar properties. This amino acid position is conserved. In addition, this alteration is predicted to be tolerated by in silico analysis. Based on the available evidence, the clinical significance of this variant remains unclear.

NM_005475.3(SH2B3):c.175C>G (p.Arg59Gly)

Gene: SH2B3 (SH2B adaptor protein 3; plus strand). Cytogenetic location: 12q24.12.
Variant type: single nucleotide variant.
Coding change: c.175C>G on transcript NM_005475.3 (MANE Select); coding-DNA position 175, C replaced by G.
Protein change: p.Arg59Gly; replaces arginine 59 with glycine.
Molecular consequence: missense variant.
Genome position (GRCh38, 1-based): chr12:111,418,320, C>G. VCF-style: chr12-111418320-C-G. GRCh37 (hg19) VCF-style: chr12-111856124-C-G.
Other names: short protein forms R59G.
Identifiers: ClinVar variation 4864437 (VCV004864437.1).